The following is an entry in ClinVar:

ClinVar aggregate classification (germline): Uncertain significance (1 of 4 stars; one submission).

gnomAD v4.1: 4 of 1,386,736 alleles (0.00029%); highest among the groups gnomAD compares: East Asian, 0.0074%; no homozygotes.

Submission:

Women's Health and Genetics/Laboratory Corporation of America, LabCorp
Classification: Uncertain significance. Last evaluated: 2026-04-22. Review status: criteria provided, single submitter. Criteria: LabCorp Variant Classification Summary - May 2015. Collection method: clinical testing. Allele origin: germline.
Comment: Variant summary: RAC1 c.*15C>T is located in the untranslated mRNA region downstream of the termination codon. The frequency data for this variant in gnomAD is considered unreliable, as metrics indicate poor data quality at this position. To our knowledge, no occurrence of c.*15C>T in individuals affected with RAC1-related conditions and no experimental evidence demonstrating its impact on protein function have been reported. No submitters have cited clinical-significance assessments for this variant to ClinVar. Based on the evidence outlined above, the variant was classified as uncertain significance.

NM_006908.5(RAC1):c.*15C>T

Gene: RAC1 (Rac family small GTPase 1; plus strand). Cytogenetic location: 7p22.1.
Variant type: single nucleotide variant.
Coding change: c.*15C>T on transcript NM_006908.5 (MANE Select); 15 bases downstream of the stop codon, C replaced by T.
Molecular consequence: 3 prime UTR variant.
Genome position (GRCh38, 1-based): chr7:6,402,461, C>T. VCF-style: chr7-6402461-C-T. GRCh37 (hg19) VCF-style: chr7-6442092-C-T.
Other names: c.*15C>T (NM_018890.4).
Identifiers: ClinVar variation 4849133 (VCV004849133.1).